The following is an entry in ClinVar:

ClinVar aggregate classification (germline): Uncertain significance (1 of 4 stars; one submission).

Allele frequency attached by ClinVar (database versions not stated): gnomAD exomes below 0.00001; ExAC 0.00001.
gnomAD v4.1: 2 of 1,614,098 alleles (0.00012%); highest among the groups gnomAD compares: Non-Finnish European, 0.00017%; no homozygotes.

Submission:

Labcorp Genetics (formerly Invitae), Labcorp
Classification: Uncertain significance. Last evaluated: 2021-05-20. Review status: criteria provided, single submitter. Criteria: Invitae Variant Classification Sherloc (09022015). Collection method: clinical testing. Allele origin: germline.
Comment: In summary, the available evidence is currently insufficient to determine the role of this variant in disease. Therefore, it has been classified as a Variant of Uncertain Significance. Algorithms developed to predict the effect of missense changes on protein structure and function (SIFT, PolyPhen-2, Align-GVGD) all suggest that this variant is likely to be tolerated, but these predictions have not been confirmed by published functional studies and their clinical significance is uncertain. This variant has not been reported in the literature in individuals with NARS-related conditions. This variant is present in population databases (rs757582787, ExAC 0.001%). This sequence change replaces leucine with valine at codon 219 of the NARS protein (p.Leu219Val). The leucine residue is moderately conserved and there is a small physicochemical difference between leucine and valine.

NM_004539.4(NARS1):c.655C>G (p.Leu219Val)

Gene: NARS1 (asparaginyl-tRNA synthetase 1; minus strand). Cytogenetic location: 18q21.31.
Variant type: single nucleotide variant.
Coding change: c.655C>G on transcript NM_004539.4 (MANE Select); coding-DNA position 655, C replaced by G.
Protein change: p.Leu219Val; replaces leucine 219 with valine.
Molecular consequence: missense variant.
Genome position (GRCh38, 1-based): chr18:57,607,590, G>C on the plus strand (C>G on the coding strand, the complement: NARS1 is on the minus strand). VCF-style: chr18-57607590-G-C. GRCh37 (hg19) VCF-style: chr18-55274822-G-C.
Other names: short protein forms L219V.
Identifiers: ClinVar variation 1682750 (VCV001682750.6), dbSNP rs757582787, ClinGen allele CA8973647.